The following is an entry in ClinVar:

ClinVar aggregate classification (germline): Uncertain significance (1 of 4 stars; one submission).

Submission:

Labcorp Genetics (formerly Invitae), Labcorp
Classification: Uncertain significance. Last evaluated: 2025-11-23. Review status: criteria provided, single submitter. Criteria: Invitae Variant Classification Sherloc (09022015). Collection method: clinical testing. Allele origin: germline.
Comment: This sequence change falls in intron 45 of the FN1 gene. It does not directly change the encoded amino acid sequence of the FN1 protein. This variant is not present in population databases (gnomAD no frequency). This variant has not been reported in the literature in individuals affected with FN1-related conditions. Algorithms developed to predict the effect of sequence changes on RNA splicing suggest that this variant may disrupt the consensus splice site. In summary, the available evidence is currently insufficient to determine the role of this variant in disease. Therefore, it has been classified as a Variant of Uncertain Significance.

NM_212482.4(FN1):c.7362+6_7362+13del

Genes: ATIC (5-aminoimidazole-4-carboxamide ribonucleotide formyltransferase/IMP cyclohydrolase; plus strand), FN1 (fibronectin 1; minus strand). Cytogenetic location: 2q35.
Variant type: Deletion.
Coding change: c.7362+6_7362+13del on transcript NM_212482.4 (MANE Select); bases 6 to 13 of the intron after coding-DNA position 7362, 8 bases deleted (TGCATTAG; older notation c.7362+6_7362+13delTGCATTAG).
Molecular consequence: intron variant.
Genome position (GRCh38, 1-based): chr2:215,361,956-215,361,963, CTAATGCA deleted on the plus strand (TGCATTAG on the coding strand, the reverse complement: FN1 is on the minus strand); deleting any 8 consecutive bases within chr2:215,361,956-215,361,965 gives the same sequence; the c. name uses the placement nearest the transcript's 3' end. VCF-style (leftmost placement, unchanged base first): chr2-215361955-GCTAATGCA-G. GRCh37 (hg19) VCF-style: chr2-216226678-GCTAATGCA-G.
Other names: c.6459+6_6459+13del (NM_212474.3); c.6651+6_6651+13del (NM_001306132.2); c.6744+6_6744+13del (NM_001365523.2); c.6726+6_6726+13del (NM_001306131.2); c.6819+6_6819+13del (NM_212476.3); c.6729+6_6729+13del (NM_001365524.2); c.6921+6_6921+13del (NM_212478.3); c.7014+6_7014+13del (NM_001365520.2); and 8 more.
Identifiers: ClinVar variation 4766829 (VCV004766829.1).